The following is an entry in ClinVar:

NM_006389.5(HYOU1):c.971C>T (p.Ala324Val)

Gene: HYOU1 (hypoxia up-regulated 1; minus strand). Cytogenetic location: 11q23.3.
Variant type: single nucleotide variant.
Coding change: c.971C>T on transcript NM_006389.5 (MANE Select); coding-DNA position 971, C replaced by T.
Protein change: p.Ala324Val; replaces alanine 324 with valine.
Molecular consequence: missense variant.
Genome position (GRCh38, 1-based): chr11:119,052,653, G>A on the plus strand (C>T on the coding strand, the complement: HYOU1 is on the minus strand). VCF-style: chr11-119052653-G-A. GRCh37 (hg19) VCF-style: chr11-118923365-G-A.
Other names: c.971C>T (NM_006389.3); c.971C>T, p.Ala324Val (NM_001130991.3, NM_001411041.1); short protein forms A324V.
Identifiers: ClinVar variation 2190332 (VCV002190332.5), dbSNP rs371463864, ClinGen allele CA229623537.
Genomic context (GRCh38, chr11:119,052,653, plus strand): 5'-CTACGTGGGACAAAATATAGCCTCAACCAGCCACTTGTGGGCACCTGTGCCATGTGGTCA[G>A]CGTTGGCACTGAGGACGGTTTTGAGCCGATTAGCCTCACGCAGCAGCTTGGCCATGGCAC-3'
Protein context (NP_006380.1, residues 314-334): NRLKTVLSAN[Ala324Val]DHMAQIEGLM

ClinVar aggregate classification (germline): Uncertain significance. Review status: criteria provided, multiple submitters, no conflicts (2 of 4 stars). 2 submissions from 2 submitters: Uncertain significance (2). Last evaluated 2025-08-08.

Allele frequency attached by ClinVar (database versions not stated): TOPMed below 0.00001; gnomAD exomes 0.00001; gnomAD 0.00002.
gnomAD v4.1: 11 of 1,613,500 alleles (0.00068%); highest among the groups gnomAD compares: African/African-American, 0.0013%; no homozygotes.

Submissions (2):

Ambry Genetics
Classification: Uncertain significance. Last evaluated: 2025-08-08. Review status: criteria provided, single submitter. Criteria: Ambry Variant Classification Scheme 2023. Collection method: clinical testing. Allele origin: germline.

Labcorp Genetics (formerly Invitae), Labcorp
Classification: Uncertain significance. Last evaluated: 2022-11-23. Review status: criteria provided, single submitter. Criteria: Invitae Variant Classification Sherloc (09022015). Collection method: clinical testing. Allele origin: germline.
Comment: In summary, the available evidence is currently insufficient to determine the role of this variant in disease. Therefore, it has been classified as a Variant of Uncertain Significance. Algorithms developed to predict the effect of missense changes on protein structure and function (SIFT, PolyPhen-2, Align-GVGD) all suggest that this variant is likely to be tolerated. This variant has not been reported in the literature in individuals affected with HYOU1-related conditions. This variant is present in population databases (rs371463864, gnomAD 0.003%). This sequence change replaces alanine, which is neutral and non-polar, with valine, which is neutral and non-polar, at codon 324 of the HYOU1 protein (p.Ala324Val).